The following is an entry in ClinVar:

NM_133259.4(LRPPRC):c.54_57delinsTCG (p.Leu20fs)

Gene: LRPPRC (leucine rich pentatricopeptide repeat containing; minus strand). Cytogenetic location: 2p21.
Variant type: Indel.
Coding change: c.54_57delinsTCG on transcript NM_133259.4 (MANE Select); coding-DNA positions 54 to 57, GCGC replaced by TCG.
Protein change: p.Leu20fs; shifts the reading frame from leucine 20.
Molecular consequence: frameshift variant.
Genome position (GRCh38, 1-based): chr2:43,995,891-43,995,894, GCGC replaced by CGA on the plus strand (GCGC replaced by TCG on the coding strand, the reverse complement: LRPPRC is on the minus strand). VCF-style: chr2-43995891-GCGC-CGA. GRCh37 (hg19) VCF-style: chr2-44223030-GCGC-CGA.
Other names: short protein forms L20fs.
Identifiers: ClinVar variation 1726465 (VCV001726465.2), dbSNP rs2465901077, ClinGen allele CA2580066521.

ClinVar aggregate classification (germline): Likely pathogenic (1 of 4 stars; one submission).

Conditions:
Congenital lactic acidosis, Saguenay-Lac-Saint-Jean type (MC4DN5). Also called: CYTOCHROME c OXIDASE DEFICIENCY, FRENCH CANADIAN TYPE; COX DEFICIENCY, FRENCH CANADIAN TYPE; MITOCHONDRIAL COMPLEX IV DEFICIENCY, NUCLEAR TYPE 5. Identifiers: Orphanet 70472, MedGen C1857355, MONDO:0009069, OMIM 220111.

Submission:

Myriad Genetics, Inc.
Classification: Likely pathogenic for Congenital lactic acidosis, Saguenay-Lac-Saint-Jean type. Last evaluated: 2021-12-17. Review status: criteria provided, single submitter. Criteria: Myriad Women's Health Autosomal Recessive and X-Linked Classification Criteria (2021). Collection method: clinical testing. Allele origin: unknown.
Comment: NM_133259.3(LRPPRC):c.54_57delGCGCinsTCG(L20Sfs*34) is expected to be pathogenic in the context of Leigh syndrome, French-Canadian type. This variant is predicted to lead to an abnormal or absent protein product due to the creation of a premature termination codon in LRPPRC, a gene where loss-of-function variants are known to be pathogenic. Please note: this variant was assessed in the context of healthy population screening.